The following is an entry in ClinVar:

ClinVar aggregate classification (germline): Benign (0 of 4 stars; one submission).

Conditions:
MUC16-related disorder. Also called: MUC16-related condition.

Allele frequency attached by ClinVar (database versions not stated): 1000 Genomes Project 30x 0.19332; 1000 Genomes Project 0.19369; TOPMed 0.24491; gnomAD 0.25123; ESP Exome Variant Server 0.26360; ExAC 0.26482; gnomAD exomes 0.28646.

Submission:

PreventionGenetics, part of Exact Sciences
Classification: Benign for MUC16-related condition. Last evaluated: 2019-11-11. Review status: no assertion criteria provided. Collection method: clinical testing. Allele origin: germline.
Comment: This variant is classified as benign based on ACMG/AMP sequence variant interpretation guidelines (Richards et al. 2015 PMID: 25741868, with internal and published modifications).

NM_001401501.2(MUC16):c.30625T>C (p.Phe10209Leu)

Gene: MUC16 (mucin 16, cell surface associated; minus strand). Cytogenetic location: 19p13.2.
Variant type: single nucleotide variant.
Coding change: c.30625T>C on transcript NM_001401501.2 (MANE Select); coding-DNA position 30625, T replaced by C.
Protein change: p.Phe10209Leu; replaces phenylalanine 10209 with leucine.
Molecular consequence: missense variant.
Genome position (GRCh38, 1-based): chr19:8,946,265, A>G on the plus strand (T>C on the coding strand, the complement: MUC16 is on the minus strand). VCF-style: chr19-8946265-A-G. GRCh37 (hg19) VCF-style: chr19-9056941-A-G.
Other names: c.31051T>C, p.Phe10351Leu (NM_001414686.1); c.30505T>C, p.Phe10169Leu (NM_001414687.1, NM_024690.2); short protein forms F10169L, F10209L, F10351L.
Identifiers: ClinVar variation 3059921 (VCV003059921.2), dbSNP rs10410136, ClinGen allele CA9167089.